The following is an entry in ClinVar:

NM_006648.4(WNK2):c.133A>C (p.Ser45Arg)

Gene: WNK2 (WNK lysine deficient protein kinase 2; plus strand). Cytogenetic location: 9q22.31.
Variant type: single nucleotide variant.
Coding change: c.133A>C on transcript NM_006648.4 (MANE Select); coding-DNA position 133, A replaced by C.
Protein change: p.Ser45Arg; replaces serine 45 with arginine.
Molecular consequence: missense variant.
Genome position (GRCh38, 1-based): chr9:93,185,062, A>C. VCF-style: chr9-93185062-A-C. GRCh37 (hg19) VCF-style: chr9-95947344-A-C.
Other names: c.133A>C, p.Ser45Arg (NM_001282394.3); short protein forms S45R.
Identifiers: ClinVar variation 3470190 (VCV003470190.1).

ClinVar aggregate classification (germline): Uncertain significance (1 of 4 stars; one submission).

gnomAD v4.1: 1 of 1,304,244 alleles (0.000077%); highest among the groups gnomAD compares: Admixed American, 0.0035%; no homozygotes.

Submission:

Ambry Genetics
Classification: Uncertain significance. Last evaluated: 2024-11-18. Review status: criteria provided, single submitter. Criteria: Ambry Variant Classification Scheme 2023. Collection method: clinical testing. Allele origin: germline.
Comment: The p.S45R variant (also known as c.133A>C), located in coding exon 1 of the WNK2 gene, results from an A to C substitution at nucleotide position 133. The serine at codon 45 is replaced by arginine, an amino acid with dissimilar properties. This amino acid position is conserved. In addition, this alteration is predicted to be tolerated by in silico analysis. Based on the available evidence, the clinical significance of this variant remains unclear.